The following is an entry in ClinVar:

NM_001458.5(FLNC):c.4277G>C (p.Arg1426Pro)

Gene: FLNC (filamin C; plus strand). Cytogenetic location: 7q32.1.
Variant type: single nucleotide variant.
Coding change: c.4277G>C on transcript NM_001458.5 (MANE Select); coding-DNA position 4277, G replaced by C.
Protein change: p.Arg1426Pro; replaces arginine 1426 with proline.
Molecular consequence: missense variant.
Genome position (GRCh38, 1-based): chr7:128,846,894, G>C. VCF-style: chr7-128846894-G-C. GRCh37 (hg19) VCF-style: chr7-128486948-G-C.
Other names: c.4277G>C, p.Arg1426Pro (NM_001127487.2); short protein forms R1426P.
Identifiers: ClinVar variation 1436932 (VCV001436932.8), dbSNP rs764452839, ClinGen allele CA369200961.
Genomic context (GRCh38, chr7:128,846,894, plus strand): 5'-CCGTGGAGTACATCCCCTTCACTCCTGGAGACTATGACGTCAACATCACCTTCGGGGGGC[G>C]GCCCATCCCAGGTGTGCAGAGAGAGTGGTCGGGGTCTCAGGGAAGACAAGGGAGGGTGCA-3'
Protein context (NP_001449.3, residues 1416-1436): DYDVNITFGG[Arg1426Pro]PIPGSPFRVP

ClinVar aggregate classification (germline): Uncertain significance (1 of 4 stars; one submission).

Conditions:
Myofibrillar myopathy 5. Also called: FILAMINOPATHY, AUTOSOMAL DOMINANT; Filaminopathy (type). Identifiers: Orphanet 171445, MedGen C1836050, MONDO:0012289, OMIM 609524.
Distal myopathy with posterior leg and anterior hand involvement. Also called: WILLIAMS DISTAL MYOPATHY. Identifiers: Orphanet 63273, MedGen C3279722, MONDO:0013550, OMIM 614065.
Hypertrophic cardiomyopathy 26. Also called: Cardiomyopathy, familial hypertrophic, 26. Identifiers: Orphanet 75249, MedGen C4310749, MONDO:0014883, OMIM 617047.

Submission:

Labcorp Genetics (formerly Invitae), Labcorp
Classification: Uncertain significance for Distal myopathy with posterior leg and anterior hand involvement; Myofibrillar myopathy 5; Hypertrophic cardiomyopathy 26. Last evaluated: 2022-12-06. Review status: criteria provided, single submitter. Criteria: Invitae Variant Classification Sherloc (09022015). Collection method: clinical testing. Allele origin: germline.
Comment: ClinVar contains an entry for this variant (Variation ID: 1436932). Advanced modeling of protein sequence and biophysical properties (such as structural, functional, and spatial information, amino acid conservation, physicochemical variation, residue mobility, and thermodynamic stability) has been performed at Invitae for this missense variant, however the output from this modeling did not meet the statistical confidence thresholds required to predict the impact of this variant on FLNC protein function. In summary, the available evidence is currently insufficient to determine the role of this variant in disease. Therefore, it has been classified as a Variant of Uncertain Significance. This sequence change replaces arginine, which is basic and polar, with proline, which is neutral and non-polar, at codon 1426 of the FLNC protein (p.Arg1426Pro). This variant is not present in population databases (gnomAD no frequency). This variant has not been reported in the literature in individuals affected with FLNC-related conditions.